The following is an entry in ClinVar:

ClinVar aggregate classification (germline): Uncertain significance (1 of 4 stars; one submission).

Conditions:
Arrhythmogenic right ventricular dysplasia 5. Also called: Arrhythmogenic Right Ventricular Dysplasia/Cardiomyopathy 5; ARRHYTHMOGENIC RIGHT VENTRICULAR DYSPLASIA, FAMILIAL, 5. Identifiers: MedGen C1858379, MONDO:0011459, OMIM 604400.

Allele frequency attached by ClinVar (database versions not stated): gnomAD exomes below 0.00001; ExAC 0.00001.
gnomAD v4.1: 1 of 1,614,190 alleles (0.000062%); highest among the groups gnomAD compares: South Asian, 0.0011%; no homozygotes.

Submission:

Labcorp Genetics (formerly Invitae), Labcorp
Classification: Uncertain significance for Arrhythmogenic right ventricular dysplasia 5. Last evaluated: 2023-01-31. Review status: criteria provided, single submitter. Criteria: Invitae Variant Classification Sherloc (09022015). Collection method: clinical testing. Allele origin: germline.
Comment: In summary, the available evidence is currently insufficient to determine the role of this variant in disease. Therefore, it has been classified as a Variant of Uncertain Significance. Advanced modeling of protein sequence and biophysical properties (such as structural, functional, and spatial information, amino acid conservation, physicochemical variation, residue mobility, and thermodynamic stability) performed at Invitae indicates that this missense variant is not expected to disrupt TMEM43 protein function. This variant has not been reported in the literature in individuals affected with TMEM43-related conditions. This variant is present in population databases (rs768357650, gnomAD 0.003%). This sequence change replaces phenylalanine, which is neutral and non-polar, with leucine, which is neutral and non-polar, at codon 370 of the TMEM43 protein (p.Phe370Leu).

NM_024334.3(TMEM43):c.1110C>G (p.Phe370Leu)

Gene: TMEM43 (transmembrane protein 43; plus strand). Cytogenetic location: 3p25.1.
Variant type: single nucleotide variant.
Coding change: c.1110C>G on transcript NM_024334.3 (MANE Select); coding-DNA position 1110, C replaced by G.
Protein change: p.Phe370Leu; replaces phenylalanine 370 with leucine.
Molecular consequence: missense variant.
Genome position (GRCh38, 1-based): chr3:14,141,702, C>G. VCF-style: chr3-14141702-C-G. GRCh37 (hg19) VCF-style: chr3-14183202-C-G.
Other names: c.1113C>G, p.Phe371Leu (NM_001407274.1); c.1107C>G, p.Phe369Leu (NM_001407275.1, NM_001407276.1); c.1104C>G, p.Phe368Leu (NM_001407277.1); c.1095C>G, p.Phe365Leu (NM_001407278.1); c.1035C>G, p.Phe345Leu (NM_001407279.1); c.960C>G, p.Phe320Leu (NM_001407280.1); short protein forms F320L, F371L, F345L, F368L, F369L, F370L, F365L.
Identifiers: ClinVar variation 2776910 (VCV002776910.3), dbSNP rs768357650, ClinGen allele CA051204.
Genomic context (GRCh38, chr3:14,141,702, plus strand): 5'-CTTTGCCTTCTGTGTGGCCACCTCGCTGACCCTGCTGACCGTGGCGGCTGGCTGGCTCTT[C>G]TACCGACCCCTGTGGGCCCTCCTCATTGCCGGCCTGGCCCTTGTGCCCATCCTTGTTGCT-3'
Protein context (NP_077310.1, residues 360-380): TLLTVAAGWL[Phe370Leu]YRPLWALLIA